The following is an entry in ClinVar:

NM_021728.4(OTX2):c.257C>T (p.Pro86Leu)

Gene: OTX2 (orthodenticle homeobox 2; minus strand). Cytogenetic location: 14q22.3.
Variant type: single nucleotide variant.
Coding change: c.257C>T on transcript NM_021728.4 (MANE Select); coding-DNA position 257, C replaced by T.
Protein change: p.Pro86Leu; replaces proline 86 with leucine.
Molecular consequence: missense variant.
Genome position (GRCh38, 1-based): chr14:56,804,204, G>A on the plus strand (C>T on the coding strand, the complement: OTX2 is on the minus strand). VCF-style: chr14-56804204-G-A. GRCh37 (hg19) VCF-style: chr14-57270922-G-A.
Other names: c.233C>T, p.Pro78Leu (NM_001270523.2, NM_001270524.2, NM_172337.3); c.257C>T, p.Pro86Leu (NM_001270525.2); short protein forms P86L, P78L.
Identifiers: ClinVar variation 2765612 (VCV002765612.3), dbSNP rs2503907134, ClinGen allele CA390052268.

ClinVar aggregate classification (germline): Uncertain significance (1 of 4 stars; one submission).

Conditions:
Anophthalmia-microphthalmia syndrome. Also called: Anophthalmia/Microphthalmia; Anophthalmia - microphthalmia. Identifiers: Orphanet 98555, MedGen C5680330, MONDO:0020147.

Submission:

Labcorp Genetics (formerly Invitae), Labcorp
Classification: Uncertain significance for Anophthalmia-microphthalmia syndrome. Last evaluated: 2023-10-05. Review status: criteria provided, single submitter. Criteria: Invitae Variant Classification Sherloc (09022015). Collection method: clinical testing. Allele origin: germline.
Comment: This sequence change replaces proline, which is neutral and non-polar, with leucine, which is neutral and non-polar, at codon 78 of the OTX2 protein (p.Pro78Leu). This variant is not present in population databases (gnomAD no frequency). This variant has not been reported in the literature in individuals affected with OTX2-related conditions. An algorithm developed to predict the effect of missense changes on protein structure and function (PolyPhen-2) suggests that this variant is likely to be disruptive. In summary, the available evidence is currently insufficient to determine the role of this variant in disease. Therefore, it has been classified as a Variant of Uncertain Significance.